The following is an entry in ClinVar:

ClinVar aggregate classification (germline): Uncertain significance (1 of 4 stars; one submission).

Conditions:
EGFR-related lung cancer (EGFR). Identifiers: MedGen CN130014.

Allele frequency attached by ClinVar (database versions not stated): TOPMed below 0.00001.

Submission:

Labcorp Genetics (formerly Invitae), Labcorp
Classification: Uncertain significance for EGFR-related lung cancer. Last evaluated: 2021-03-24. Review status: criteria provided, single submitter. Criteria: Invitae Variant Classification Sherloc (09022015). Collection method: clinical testing. Allele origin: germline.
Comment: Algorithms developed to predict the effect of sequence changes on RNA splicing suggest that this variant may disrupt the consensus splice site, but this prediction has not been confirmed by published transcriptional studies. Algorithms developed to predict the effect of missense changes on protein structure and function are either unavailable or do not agree on the potential impact of this missense change (SIFT: "Deleterious"; PolyPhen-2: "Probably Damaging"; Align-GVGD: "Class C0"). This variant has not been reported in the literature in individuals with EGFR-related conditions. This variant is not present in population databases (ExAC no frequency). This sequence change replaces valine with methionine at codon 336 of the EGFR protein (p.Val336Met). The valine residue is highly conserved and there is a small physicochemical difference between valine and methionine. In summary, the available evidence is currently insufficient to determine the role of this variant in disease. Therefore, it has been classified as a Variant of Uncertain Significance.

NM_005228.5(EGFR):c.1006G>A (p.Val336Met)

Gene: EGFR (epidermal growth factor receptor; plus strand). Cytogenetic location: 7p11.2.
Variant type: single nucleotide variant.
Coding change: c.1006G>A on transcript NM_005228.5 (MANE Select); coding-DNA position 1006, G replaced by A.
Protein change: p.Val336Met; replaces valine 336 with methionine.
Molecular consequence: missense variant.
Genome position (GRCh38, 1-based): chr7:55,155,946, G>A. VCF-style: chr7-55155946-G-A. GRCh37 (hg19) VCF-style: chr7-55223639-G-A.
Other names: c.871G>A, p.Val291Met (NM_001346897.2, NM_001346899.2); c.1006G>A, p.Val336Met (NM_001346898.2, NM_201282.2, NM_201283.2 and 1 more transcripts); c.847G>A, p.Val283Met (NM_001346900.2); c.205G>A, p.Val69Met (NM_001346941.2); short protein forms V283M, V69M, V291M, V336M.
Identifiers: ClinVar variation 1381079 (VCV001381079.8), dbSNP rs1437418906, ClinGen allele CA367578168.